The following is an entry in ClinVar:

ClinVar aggregate classification (germline): Uncertain significance. Review status: criteria provided, multiple submitters, no conflicts (2 of 4 stars). 2 submissions from 2 submitters: Uncertain significance (2). Last evaluated 2024-01-13.

Conditions:
Hereditary cancer-predisposing syndrome. Also called: Neoplastic Syndromes, Hereditary; Tumor predisposition; Hereditary neoplastic syndrome; Hereditary Cancer Syndrome. Identifiers: Orphanet 140162, MedGen C0027672, MeSH D009386, MONDO:0015356.

Allele frequency attached by ClinVar (database versions not stated): gnomAD 0.00003.

Submissions (2):

Ambry Genetics
Classification: Uncertain significance for Hereditary cancer-predisposing syndrome. Last evaluated: 2024-01-13. Review status: criteria provided, single submitter. Criteria: Ambry Variant Classification Scheme 2023. Collection method: clinical testing. Allele origin: germline.
Comment: The p.T891I variant (also known as c.2672C>T), located in coding exon 16 of the RAD50 gene, results from a C to T substitution at nucleotide position 2672. The threonine at codon 891 is replaced by isoleucine, an amino acid with similar properties. This amino acid position is conserved. In addition, this alteration is predicted to be tolerated by in silico analysis. Since supporting evidence is limited at this time, the clinical significance of this alteration remains unclear.

Labcorp Genetics (formerly Invitae), Labcorp
Classification: Uncertain significance for Hereditary cancer-predisposing syndrome. Last evaluated: 2023-08-09. Review status: criteria provided, single submitter. Criteria: Invitae Variant Classification Sherloc (09022015). Collection method: clinical testing. Allele origin: germline.
Comment: In summary, the available evidence is currently insufficient to determine the role of this variant in disease. Therefore, it has been classified as a Variant of Uncertain Significance. Advanced modeling of protein sequence and biophysical properties (such as structural, functional, and spatial information, amino acid conservation, physicochemical variation, residue mobility, and thermodynamic stability) performed at Invitae indicates that this missense variant is not expected to disrupt RAD50 protein function. ClinVar contains an entry for this variant (Variation ID: 580630). This variant has not been reported in the literature in individuals affected with RAD50-related conditions. This variant is present in population databases (no rsID available, gnomAD 0.02%). This sequence change replaces threonine, which is neutral and polar, with isoleucine, which is neutral and non-polar, at codon 891 of the RAD50 protein (p.Thr891Ile).

NM_005732.4(RAD50):c.2672C>T (p.Thr891Ile)

Gene: RAD50 (RAD50 double strand break repair protein; plus strand). Cytogenetic location: 5q31.1.
Variant type: single nucleotide variant.
Coding change: c.2672C>T on transcript NM_005732.4 (MANE Select); coding-DNA position 2672, C replaced by T.
Protein change: p.Thr891Ile; replaces threonine 891 with isoleucine.
Molecular consequence: missense variant.
Genome position (GRCh38, 1-based): chr5:132,604,953, C>T. VCF-style: chr5-132604953-C-T. GRCh37 (hg19) VCF-style: chr5-131940645-C-T.
Other names: short protein forms T891I.
Identifiers: ClinVar variation 580630 (VCV000580630.10), dbSNP rs953140907, ClinGen allele CA127258744.